The following is an entry in ClinVar:

NM_000179.3(MSH6):c.2291del (p.Thr764fs)

Gene: MSH6 (mutS homolog 6; plus strand). Cytogenetic location: 2p16.3.
Variant type: Deletion.
Coding change: c.2291del on transcript NM_000179.3 (MANE Select); coding-DNA position 2291, one base deleted (C; older notation c.2291delC).
Protein change: p.Thr764fs; shifts the reading frame from threonine 764.
Molecular consequence: frameshift variant. On other transcripts: non-coding transcript variant (5), intron variant (2).
Genome position (GRCh38, 1-based): chr2:47,800,274, C deleted. VCF-style (leftmost placement, unchanged base first): chr2-47800273-AC-A. GRCh37 (hg19) VCF-style: chr2-48027412-AC-A.
Other names: c.1901del, p.Thr634fs (NM_001281492.2); c.1385del, p.Thr462fs (NM_001281493.2, NM_001281494.2, NM_001406811.1 and 6 more transcripts); c.2387del, p.Thr796fs (NM_001406795.1, NM_001406802.1); c.2291del, p.Thr764fs (NM_001406796.1, NM_001406798.1, NM_001406800.1 and 3 more transcripts); c.1994del, p.Thr665fs (NM_001406797.1, NM_001406801.1, NM_001406805.1 and 10 more transcripts); c.1766del, p.Thr589fs (NM_001406799.1, NM_001406806.1, NM_001406807.1); c.2213del, p.Thr738fs (NM_001406804.1); c.2297del, p.Thr766fs (NM_001406813.1); and 3 more; short protein forms T462fs, T589fs, T634fs, T665fs, T708fs, T738fs, T764fs, T766fs.
Identifiers: ClinVar variation 2673745 (VCV002673745.1), dbSNP rs2530663011, ClinGen allele CA2695200515.

ClinVar aggregate classification (germline): Pathogenic (1 of 4 stars; one submission).

Conditions:
Lynch syndrome 5 (LYNCH5). Also called: Colorectal cancer, hereditary nonpolyposis, type 5; Hereditary non-polyposis colorectal cancer, type 5. Identifiers: Orphanet 144, MedGen C1833477, MONDO:0013710, OMIM 614350. Disease mechanism: loss of function.

Submission:

Myriad Genetics, Inc.
Classification: Pathogenic for Lynch syndrome 5. Last evaluated: 2023-08-16. Review status: criteria provided, single submitter. Criteria: Myriad Autosomal Dominant, Autosomal Recessive and X-Linked Classification Criteria (2023). Collection method: clinical testing. Allele origin: unknown.
Comment: This variant is considered pathogenic. This variant creates a frameshift predicted to result in premature protein truncation.